The following is an entry in ClinVar:

ClinVar aggregate classification (germline): Uncertain significance (1 of 4 stars; one submission).

Conditions:
Hereditary cancer-predisposing syndrome. Also called: Neoplastic Syndromes, Hereditary; Hereditary Cancer Syndrome; Tumor predisposition; Hereditary neoplastic syndrome. Identifiers: Orphanet 140162, MedGen C0027672, MeSH D009386, MONDO:0015356.

Submission:

Ambry Genetics
Classification: Uncertain significance for Hereditary cancer-predisposing syndrome. Last evaluated: 2023-01-08. Review status: criteria provided, single submitter. Criteria: Ambry Variant Classification Scheme 2023. Collection method: clinical testing. Allele origin: germline.
Comment: The p.R749L variant (also known as c.2246G>T), located in coding exon 20 of the POLE gene, results from a G to T substitution at nucleotide position 2246. The arginine at codon 749 is replaced by leucine, an amino acid with dissimilar properties. This amino acid position is conserved. In addition, the in silico prediction for this alteration is inconclusive. Since supporting evidence is limited at this time, the clinical significance of this alteration remains unclear.

NM_006231.4(POLE):c.2246G>T (p.Arg749Leu)

Gene: POLE (DNA polymerase epsilon, catalytic subunit; minus strand). Cytogenetic location: 12q24.33.
Variant type: single nucleotide variant.
Coding change: c.2246G>T on transcript NM_006231.4 (MANE Select); coding-DNA position 2246, G replaced by T.
Protein change: p.Arg749Leu; replaces arginine 749 with leucine.
Molecular consequence: missense variant.
Genome position (GRCh38, 1-based): chr12:132,667,576, C>A on the plus strand (G>T on the coding strand, the complement: POLE is on the minus strand). VCF-style: chr12-132667576-C-A. GRCh37 (hg19) VCF-style: chr12-133244162-C-A.
Other names: short protein forms R749L.
Identifiers: ClinVar variation 2447933 (VCV002447933.2), dbSNP rs1010159851, ClinGen allele CA387352221.
Genomic context (GRCh38, chr12:132,667,576, plus strand): 5'-TTGAACTCGTAACGCCTGTCCCGGAAGGCACGCACGGTGTCCACGTAGAAGGAGTTTTCC[C>A]GCTGGCAGATGGTGGTGAGACGCTCTTCCACCTTGGTGATGTGGATCTTCTTGTAGGCTT-3'
Protein context (NP_006222.2, residues 739-759): VEERLTTICQ[Arg749Leu]ENSFYVDTVR